The following is an entry in ClinVar:

NM_000168.6(GLI3):c.2501C>G (p.Ser834Cys)

Gene: GLI3 (GLI family zinc finger 3; minus strand). Cytogenetic location: 7p14.1.
Variant type: single nucleotide variant.
Coding change: c.2501C>G on transcript NM_000168.6 (MANE Select); coding-DNA position 2501, C replaced by G.
Protein change: p.Ser834Cys; replaces serine 834 with cysteine.
Molecular consequence: missense variant.
Genome position (GRCh38, 1-based): chr7:41,966,572, G>C on the plus strand (C>G on the coding strand, the complement: GLI3 is on the minus strand). VCF-style: chr7-41966572-G-C. GRCh37 (hg19) VCF-style: chr7-42006170-G-C.
Other names: c.2501C>G (NM_000168.5); short protein forms S834C.
Identifiers: ClinVar variation 2074199 (VCV002074199.6), dbSNP rs375261329, ClinGen allele CA4230578.
Genomic context (GRCh38, chr7:41,966,572, plus strand): 5'-ATGGTGCTGGCGCTGCTGTCCCTTCTGTTGAGCATGTTCAGCATAGTGACGTCCACCCCA[G>C]AGAGGTCGCTTCTGCCCGGGAGAAGCGTCATGGGCCCACCCAAGCTGCAGGTGTTGTTGG-3'
Protein context (NP_000159.3, residues 824-844): MTLLPGRSDL[Ser834Cys]GVDVTMLNML

ClinVar aggregate classification (germline): Conflicting classifications of pathogenicity. Review status: criteria provided, conflicting classifications (1 of 4 stars). 3 submissions from 3 submitters: Uncertain significance (2); Likely benign (1). Last evaluated 2025-06-24.

Conditions:
Pallister-Hall syndrome (PHS). Also called: GLI3-Related Pallister-Hall Syndrome; HYPOTHALAMIC HAMARTOBLASTOMA, HYPOPITUITARISM, IMPERFORATE ANUS, AND POSTAXIAL POLYDACTYLY. Identifiers: Orphanet 672, MedGen C0265220, MONDO:0007804, OMIM 146510.
Greig cephalopolysyndactyly syndrome (GCPS). Also called: Greig syndrome; GLI3-Related Greig Cephalopolysyndactyly Syndrome; POLYSYNDACTYLY WITH PECULIAR SKULL SHAPE. Identifiers: Orphanet 380, MedGen C0265306, MONDO:0008287, OMIM 175700.
GLI3-related disorder. Also called: GLI3-related condition; GLI3-related disorders. Identifiers: MedGen CN239292.
Inborn genetic diseases. Identifiers: MedGen C0950123, MeSH D030342.

Allele frequency attached by ClinVar (database versions not stated): gnomAD exomes 0.00001; ExAC 0.00002; gnomAD 0.00005; TOPMed 0.00006; ESP Exome Variant Server 0.00015.
gnomAD v4.1: 22 of 1,613,958 alleles (0.0014%); highest among the groups gnomAD compares: African/African-American, 0.028%; no homozygotes.

Submissions (3):

Ambry Genetics
Classification: Uncertain significance for Inborn genetic diseases. Last evaluated: 2025-06-24. Review status: criteria provided, single submitter. Criteria: Ambry Variant Classification Scheme 2023. Collection method: clinical testing. Allele origin: germline.

Labcorp Genetics (formerly Invitae), Labcorp
Classification: Likely benign for Pallister-Hall syndrome; Greig cephalopolysyndactyly syndrome. Last evaluated: 2025-06-12. Review status: criteria provided, single submitter. Criteria: Invitae Variant Classification Sherloc (09022015). Collection method: clinical testing. Allele origin: germline.

PreventionGenetics, part of Exact Sciences
Classification: Uncertain significance for GLI3-related condition. Last evaluated: 2023-04-10. Review status: criteria provided, single submitter. Criteria: ACMG Guidelines, 2015. Collection method: clinical testing. Allele origin: germline.
Comment: The GLI3 c.2501C>G variant is predicted to result in the amino acid substitution p.Ser834Cys. To our knowledge, this variant has not been reported in the literature. This variant is reported in 0.025% of alleles in individuals of African descent in gnomAD. Although we suspect that this variant may be benign, at this time, the clinical significance of this variant is uncertain due to the absence of conclusive functional and genetic evidence.